The following is an entry in ClinVar:

NM_014795.4(ZEB2):c.2380A>G (p.Lys794Glu)

Gene: ZEB2 (zinc finger E-box binding homeobox 2; minus strand). Cytogenetic location: 2q22.3.
Variant type: single nucleotide variant.
Coding change: c.2380A>G on transcript NM_014795.4 (MANE Select); coding-DNA position 2380, A replaced by G.
Protein change: p.Lys794Glu; replaces lysine 794 with glutamic acid.
Molecular consequence: missense variant.
Genome position (GRCh38, 1-based): chr2:144,398,807, T>C on the plus strand (A>G on the coding strand, the complement: ZEB2 is on the minus strand). VCF-style: chr2-144398807-T-C. GRCh37 (hg19) VCF-style: chr2-145156374-T-C.
Other names: c.2308A>G, p.Lys770Glu (NM_001171653.2); short protein forms K770E, K794E.
Identifiers: ClinVar variation 1064554 (VCV001064554.1), dbSNP rs2149876642, ClinGen allele CA348708419.

ClinVar aggregate classification (germline): Uncertain significance (1 of 4 stars; one submission).

Conditions:
Mowat-Wilson syndrome (MOWS). Also called: Classic Mowat-Wilson Syndrome. Identifiers: Orphanet 2152, MedGen C1856113, MONDO:0009341, OMIM 235730.

Submission:

UNC Molecular Genetics  Laboratory, University of North Carolina at Chapel Hill
Classification: Uncertain significance for Mowat-Wilson syndrome. Last evaluated: 2020-04-01. Review status: criteria provided, single submitter. Criteria: ACMG Guidelines, 2015. Collection method: research. Allele origin: germline. Observed: 1 variant allele. Study: CSER_NCGENES.
Comment: ZEB2 c.2380A>G (p.Lys794Glu) is a missense variant that changes a single amino acid from a lysine to a glutamic acid. This variant is absent from the gnomAD population database, has not been reported previously in the clinical literature and is of uncertain clinical significance.